The following is an entry in ClinVar:

ClinVar aggregate classification (germline): Likely benign (0 of 4 stars; one submission).

Conditions:
PHIP-related disorder. Also called: PHIP-related condition; PHIP-related disorders.

gnomAD v4.1: 6 of 1,608,696 alleles (0.00037%); highest among the groups gnomAD compares: African/African-American, 0.0054%; no homozygotes.

Submission:

PreventionGenetics, part of Exact Sciences
Classification: Likely benign for PHIP-related condition. Last evaluated: 2022-10-05. Review status: no assertion criteria provided. Collection method: clinical testing. Allele origin: germline.
Comment: This variant is classified as likely benign based on ACMG/AMP sequence variant interpretation guidelines (Richards et al. 2015 PMID: 25741868, with internal and published modifications).

NM_017934.7(PHIP):c.-6A>G

Genes: PHIP (PHIP subunit of CUL4-Ring ligase complex; minus strand), LOC129996745 (ATAC-STARR-seq lymphoblastoid silent region 17346; plus strand). Cytogenetic location: 6q14.1.
Variant type: single nucleotide variant.
Coding change: c.-6A>G on transcript NM_017934.7 (MANE Select); 6 bases upstream of the start codon, A replaced by G.
Molecular consequence: 5 prime UTR variant.
Genome position (GRCh38, 1-based): chr6:79,078,074, T>C on the plus strand (A>G on the coding strand, the complement: PHIP is on the minus strand). VCF-style: chr6-79078074-T-C. GRCh37 (hg19) VCF-style: chr6-79787791-T-C.
Identifiers: ClinVar variation 3353951 (VCV003353951.1).
Genomic context (GRCh38, chr6:79,078,074, plus strand): 5'-AGCCCCCCGACTTACCCGATCGCAGCTCCGAGAGGCCTTTCCTCTCACAAGACATGTTTA[T>C]GGGTCACTTCAGGGCCGCCGACGGGACACCCCGCCGCCGAGGGGAAGCGGGGACGGTGCC-3'